The following is an entry in ClinVar:

ClinVar aggregate classification (germline): Uncertain significance (1 of 4 stars; one submission).

Submission:

GeneDx
Classification: Uncertain significance. Last evaluated: 2024-12-28. Review status: criteria provided, single submitter. Criteria: GeneDx Variant Classification Process June 2021. Collection method: clinical testing. Allele origin: germline. Affected: yes.
Comment: Not observed at significant frequency in large population cohorts (gnomAD); In silico analysis supports that this missense variant has a deleterious effect on protein structure/function; Has not been previously published as pathogenic or benign to our knowledge

NM_003482.4(KMT2D):c.10603C>T (p.His3535Tyr)

Gene: KMT2D (lysine methyltransferase 2D; minus strand). Cytogenetic location: 12q13.12.
Variant type: single nucleotide variant.
Coding change: c.10603C>T on transcript NM_003482.4 (MANE Select); coding-DNA position 10603, C replaced by T.
Protein change: p.His3535Tyr; replaces histidine 3535 with tyrosine.
Molecular consequence: missense variant.
Genome position (GRCh38, 1-based): chr12:49,034,204, G>A on the plus strand (C>T on the coding strand, the complement: KMT2D is on the minus strand). VCF-style: chr12-49034204-G-A. GRCh37 (hg19) VCF-style: chr12-49427987-G-A.
Other names: short protein forms H3535Y.
Identifiers: ClinVar variation 3908013 (VCV003908013.1).